The following is an entry in ClinVar:

NM_001160372.4(TRAPPC9):c.625G>A (p.Val209Met)

Gene: TRAPPC9 (trafficking protein particle complex subunit 9; minus strand). Cytogenetic location: 8q24.3.
Variant type: single nucleotide variant.
Coding change: c.625G>A on transcript NM_001160372.4 (MANE Select); coding-DNA position 625, G replaced by A.
Protein change: p.Val209Met; replaces valine 209 with methionine.
Molecular consequence: missense variant. On other transcripts: non-coding transcript variant (1).
Genome position (GRCh38, 1-based): chr8:140,439,157, C>T on the plus strand (G>A on the coding strand, the complement: TRAPPC9 is on the minus strand). VCF-style: chr8-140439157-C-T. GRCh37 (hg19) VCF-style: chr8-141449256-C-T.
Other names: c.625G>A, p.Val209Met (NM_001321646.2, NM_001374683.1, NM_001374684.1 and 1 more transcripts); c.646G>A, p.Val216Met (NM_001374682.1); short protein forms V209M, V216M.
Identifiers: ClinVar variation 1444407 (VCV001444407.6), dbSNP rs1441780911, ClinGen allele CA372317737.

ClinVar aggregate classification (germline): Uncertain significance (1 of 4 stars; one submission).

Allele frequency attached by ClinVar (database versions not stated): gnomAD 0.00001.
gnomAD v4.1: 20 of 1,614,072 alleles (0.0012%); highest among the groups gnomAD compares: South Asian, 0.0033%; no homozygotes.

Submission:

Labcorp Genetics (formerly Invitae), Labcorp
Classification: Uncertain significance. Last evaluated: 2022-06-27. Review status: criteria provided, single submitter. Criteria: Invitae Variant Classification Sherloc (09022015). Collection method: clinical testing. Allele origin: germline.
Comment: This variant has not been reported in the literature in individuals affected with TRAPPC9-related conditions. In summary, the available evidence is currently insufficient to determine the role of this variant in disease. Therefore, it has been classified as a Variant of Uncertain Significance. Algorithms developed to predict the effect of missense changes on protein structure and function are either unavailable or do not agree on the potential impact of this missense change (SIFT: "Not Available"; PolyPhen-2: "Probably Damaging"; Align-GVGD: "Not Available"). This variant is present in population databases (no rsID available, gnomAD 0.003%). This sequence change replaces valine with methionine at codon 307 of the TRAPPC9 protein (p.Val307Met). The valine residue is moderately conserved and there is a small physicochemical difference between valine and methionine.